The following is an entry in ClinVar:

NM_000038.6(APC):c.645+173A>G

Gene: APC (APC regulator of WNT signaling pathway; plus strand). Cytogenetic location: 5q22.2.
Variant type: single nucleotide variant.
Coding change: c.645+173A>G on transcript NM_000038.6 (MANE Select); 173 bases into the intron after coding-DNA position 645, A replaced by G.
Molecular consequence: intron variant.
Genome position (GRCh38, 1-based): chr5:112,781,076, A>G. VCF-style: chr5-112781076-A-G. GRCh37 (hg19) VCF-style: chr5-112116773-A-G.
Other names: c.645+173A>G (NM_001354895.2, NM_001127510.3, NM_001354896.2 and 2 more transcripts); c.675+173A>G (NM_001354897.2, NM_001354902.2, NM_001127511.3); c.570+173A>G (NM_001354898.2, NM_001354904.2); c.-391+173A>G (NM_001354906.2); c.468+173A>G (NM_001354900.2, NM_001354901.2, NM_001354905.2).
Identifiers: ClinVar variation 82939 (VCV000082939.3), dbSNP rs2289484, ClinGen allele CA011290.
Genomic context (GRCh38, chr5:112,781,076, plus strand): 5'-TTTGGCTCTATTTCAAAATAAGATTTATCATGGCTGCTGAGCAACATAATCAATATTCAC[A>G]TAGTTGTGTCTTTACCATATTCATTTCCCCTGGTACTGTTCTGTTCTGCCTTGGAATTAT-3'

ClinVar aggregate classification (germline): Benign. Review status: criteria provided, single submitter (1 of 4 stars). 2 submissions from 2 submitters: Benign (1). 1 of the submissions does not count toward it. Last evaluated 2018-06-22.

Conditions:
Familial colorectal cancer. Identifiers: MedGen CN280943, MONDO:0023113. Disease mechanism: loss of function.

Allele frequency attached by ClinVar (database versions not stated): gnomAD 0.41121; TOPMed 0.42297; 1000 Genomes Project 30x 0.44800; 1000 Genomes Project 0.45208.
gnomAD v4.1: 64,363 of 152,116 alleles (42%); highest among the groups gnomAD compares: East Asian, 67%; 15,894 homozygotes.

Submissions (2):

GeneDx
Classification: Benign. Last evaluated: 2018-06-22. Review status: criteria provided, single submitter. Criteria: GeneDx Variant Classification Process June 2021. Collection method: clinical testing. Allele origin: germline. Affected: yes.

Systems Biology Platform Zhejiang California International NanoSystems Institute
Classification: other for Familial colorectal cancer. Review status: no assertion criteria provided. Collection method: not provided. Allele origin: unknown. Not counted in ClinVar's aggregate classification.
ClinVar note: Converted during submission from cancer to other.